The following is an entry in ClinVar:

ClinVar aggregate classification (germline): Uncertain significance. Review status: criteria provided, multiple submitters, no conflicts (2 of 4 stars). 2 submissions from 2 submitters: Uncertain significance (2). Last evaluated 2025-12-22.

Conditions:
Inborn genetic diseases. Identifiers: MedGen C0950123, MeSH D030342.

Allele frequency attached by ClinVar (database versions not stated): gnomAD 0.00001; TOPMed 0.00002.
gnomAD v4.1: 4 of 1,479,088 alleles (0.00027%); highest among the groups gnomAD compares: African/African-American, 0.0028%; no homozygotes.

Submissions (2):

Ambry Genetics
Classification: Uncertain significance for Inborn genetic diseases. Last evaluated: 2025-12-22. Review status: criteria provided, single submitter. Criteria: Ambry Variant Classification Scheme 2023. Collection method: clinical testing. Allele origin: germline.

Labcorp Genetics (formerly Invitae), Labcorp
Classification: Uncertain significance. Last evaluated: 2023-12-25. Review status: criteria provided, single submitter. Criteria: Invitae Variant Classification Sherloc (09022015). Collection method: clinical testing. Allele origin: germline.
Comment: This sequence change replaces proline, which is neutral and non-polar, with threonine, which is neutral and polar, at codon 908 of the GRIN2D protein (p.Pro908Thr). This variant is present in population databases (no rsID available, gnomAD 0.01%). This variant has not been reported in the literature in individuals affected with GRIN2D-related conditions. ClinVar contains an entry for this variant (Variation ID: 2266004). Advanced modeling of protein sequence and biophysical properties (such as structural, functional, and spatial information, amino acid conservation, physicochemical variation, residue mobility, and thermodynamic stability) performed at Invitae indicates that this missense variant is not expected to disrupt GRIN2D protein function with a negative predictive value of 95%. In summary, the available evidence is currently insufficient to determine the role of this variant in disease. Therefore, it has been classified as a Variant of Uncertain Significance.

NM_000836.4(GRIN2D):c.2722C>A (p.Pro908Thr)

Gene: GRIN2D (glutamate ionotropic receptor NMDA type subunit 2D; plus strand). Cytogenetic location: 19q13.33.
Variant type: single nucleotide variant.
Coding change: c.2722C>A on transcript NM_000836.4 (MANE Select); coding-DNA position 2722, C replaced by A.
Protein change: p.Pro908Thr; replaces proline 908 with threonine.
Molecular consequence: missense variant.
Genome position (GRCh38, 1-based): chr19:48,442,648, C>A. VCF-style: chr19-48442648-C-A. GRCh37 (hg19) VCF-style: chr19-48945905-C-A.
Other names: short protein forms P908T.
Identifiers: ClinVar variation 2266004 (VCV002266004.6), dbSNP rs1326749704, ClinGen allele CA406671251.